The following is an entry in ClinVar:

ClinVar aggregate classification (germline): Uncertain significance (1 of 4 stars; one submission).

Submission:

Labcorp Genetics (formerly Invitae), Labcorp
Classification: Uncertain significance. Last evaluated: 2022-04-29. Review status: criteria provided, single submitter. Criteria: Invitae Variant Classification Sherloc (09022015). Collection method: clinical testing. Allele origin: germline.
Comment: In summary, the available evidence is currently insufficient to determine the role of this variant in disease. Therefore, it has been classified as a Variant of Uncertain Significance. Experimental studies and prediction algorithms are not available or were not evaluated, and the functional significance of this variant is currently unknown. This variant has not been reported in the literature in individuals affected with OR2W3-related conditions. This variant is not present in population databases (gnomAD no frequency). This variant, c.100_114del, results in the deletion of 5 amino acid(s) of the OR2W3 protein (p.Ala34_Thr38del), but otherwise preserves the integrity of the reading frame.

NM_001001957.2(OR2W3):c.100_114del (p.Ala34_Thr38del)

Gene: OR2W3 (olfactory receptor family 2 subfamily W member 3; plus strand). Cytogenetic location: 1q44.
Variant type: Deletion.
Coding change: c.100_114del on transcript NM_001001957.2 (MANE Select); coding-DNA positions 100 to 114, 15 bases deleted (GCGTACCTCCTGACC).
Protein change: p.Ala34_Thr38del.
Molecular consequence: inframe deletion.
Genome position (GRCh38, 1-based): chr1:247,895,686-247,895,700, GCGTACCTCCTGACC deleted; deleting any 15 consecutive bases within chr1:247,895,685-247,895,700 gives the same sequence; the c. name uses the placement nearest the transcript's 3' end. VCF-style (leftmost placement, unchanged base first): chr1-247895684-TCGCGTACCTCCTGAC-T. GRCh37 (hg19) VCF-style: chr1-248058986-TCGCGTACCTCCTGAC-T.
Identifiers: ClinVar variation 2127958 (VCV002127958.4), dbSNP rs2527687082, ClinGen allele CA2580063579.